The following is an entry in ClinVar:

ClinVar aggregate classification (germline): Uncertain significance (1 of 4 stars; one submission).

Conditions:
Inborn genetic diseases. Identifiers: MedGen C0950123, MeSH D030342.

Submission:

Ambry Genetics
Classification: Uncertain significance for Inborn genetic diseases. Last evaluated: 2021-07-18. Review status: criteria provided, single submitter. Criteria: Ambry Variant Classification Scheme 2023. Collection method: clinical testing. Allele origin: germline.
Comment: The p.M251V variant (also known as c.751A>G), located in coding exon 7 of the RAD51 gene, results from an A to G substitution at nucleotide position 751. The methionine at codon 251 is replaced by valine, an amino acid with highly similar properties. This amino acid position is conserved. In addition, the in silico prediction for this alteration is inconclusive. Since supporting evidence is limited at this time, the clinical significance of this alteration remains unclear.

NM_002875.5(RAD51):c.751A>G (p.Met251Val)

Gene: RAD51 (RAD51 recombinase; plus strand). Cytogenetic location: 15q15.1.
Variant type: single nucleotide variant.
Coding change: c.751A>G on transcript NM_002875.5 (MANE Select); coding-DNA position 751, A replaced by G.
Protein change: p.Met251Val; replaces methionine 251 with valine.
Molecular consequence: missense variant.
Genome position (GRCh38, 1-based): chr15:40,729,611, A>G. VCF-style: chr15-40729611-A-G. GRCh37 (hg19) VCF-style: chr15-41021809-A-G.
Other names: c.754A>G, p.Met252Val (NM_001164269.2, NM_133487.4); c.751A>G, p.Met251Val (NM_001164270.2); short protein forms M252V, M251V.
Identifiers: ClinVar variation 1759316 (VCV001759316.2), dbSNP rs2504529825, ClinGen allele CA391759211.
Genomic context (GRCh38, chr15:40,729,611, plus strand): 5'-GACTACTCGGGTCGAGGTGAGCTTTCAGCCAGGCAGATGCACTTGGCCAGGTTTCTGCGG[A>G]TGCTTCTGCGACTCGCTGATGAGGTAAGTTGTGGGATAGGGACAGAGAATGCCTACTTTC-3'
Protein context (NP_002866.2, residues 241-261): RQMHLARFLR[Met251Val]LLRLADEFGV